The following is an entry in ClinVar:

ClinVar aggregate classification (germline): Uncertain significance (1 of 4 stars; one submission).

Conditions:
Dowling-Degos disease 2 (DDD2). Identifiers: Orphanet 79145, MedGen C3809147, MONDO:0014130, OMIM 615327.

gnomAD v4.1: 10 of 1,614,088 alleles (0.00062%); highest among the groups gnomAD compares: Non-Finnish European, 0.00085%; no homozygotes.

Submission:

Labcorp Genetics (formerly Invitae), Labcorp
Classification: Uncertain significance for Dowling-Degos disease 2. Last evaluated: 2024-12-31. Review status: criteria provided, single submitter. Criteria: Invitae Variant Classification Sherloc (09022015). Collection method: clinical testing. Allele origin: germline.
Comment: This sequence change replaces glycine, which is neutral and non-polar, with arginine, which is basic and polar, at codon 370 of the POFUT1 protein (p.Gly370Arg). This variant is not present in population databases (gnomAD no frequency). This variant has not been reported in the literature in individuals affected with POFUT1-related conditions. An algorithm developed to predict the effect of missense changes on protein structure and function (PolyPhen-2) suggests that this variant is likely to be disruptive. In summary, the available evidence is currently insufficient to determine the role of this variant in disease. Therefore, it has been classified as a Variant of Uncertain Significance.

NM_015352.2(POFUT1):c.1108G>A (p.Gly370Arg)

Gene: POFUT1 (protein O-fucosyltransferase 1; plus strand). Cytogenetic location: 20q11.21.
Variant type: single nucleotide variant.
Coding change: c.1108G>A on transcript NM_015352.2 (MANE Select); coding-DNA position 1108, G replaced by A.
Protein change: p.Gly370Arg; replaces glycine 370 with arginine.
Molecular consequence: missense variant.
Genome position (GRCh38, 1-based): chr20:32,234,602, G>A. VCF-style: chr20-32234602-G-A. GRCh37 (hg19) VCF-style: chr20-30822405-G-A.
Other names: short protein forms G370R.
Identifiers: ClinVar variation 3626689 (VCV003626689.2).